The following is an entry in ClinVar:

ClinVar aggregate classification (germline): Benign. Review status: criteria provided, multiple submitters, no conflicts (2 of 4 stars). 2 submissions from 2 submitters: Benign (2). Last evaluated 2018-01-13.

Conditions:
Peroxisome biogenesis disorder 3A (Zellweger). Also called: PEROXISOMAL BIOGENESIS DISORDER 3A (ZELLWEGER); Peroxisome biogenesis disorder 3A. Identifiers: Orphanet 912, MedGen C3553929, MONDO:0013927, OMIM 614859.

Allele frequency attached by ClinVar (database versions not stated): TOPMed 0.36363; gnomAD 0.37563 and 0.37640; gnomAD exomes 0.38153.
gnomAD v4.1: 60,043 of 159,382 alleles (38%); highest among the groups gnomAD compares: Non-Finnish European, 45%; 12,191 homozygotes.

Submissions (2):

Illumina Laboratory Services, Illumina
Classification: Benign for Peroxisome biogenesis disorder 3A (Zellweger). Last evaluated: 2018-01-13. Review status: criteria provided, single submitter. Criteria: ICSL Variant Classification Criteria 13 December 2019. Collection method: clinical testing. Allele origin: germline.
Comment: This variant was observed in the ICSL laboratory as part of a predisposition screen in an ostensibly healthy population. It had not been previously curated by ICSL or reported in the Human Gene Mutation Database (HGMD: prior to June 1st, 2018), and was therefore a candidate for classification through an automated scoring system. Utilizing variant allele frequency, disease prevalence and penetrance estimates, and inheritance mode, an automated score was calculated to assess if this variant is too frequent to cause the disease. Based on the score and internal cut-off values, a variant classified as benign is not then subjected to further curation. The score for this variant resulted in a classification of benign for this disease.

Breakthrough Genomics
Classification: Benign. Review status: criteria provided, single submitter. Criteria: ACMG Guidelines, 2015. Collection method: not provided. Allele origin: germline. Inheritance: Autosomal recessive inheritance. Affected: yes.

NM_000286.3(PEX12):c.*517A>G

Gene: PEX12 (peroxisomal biogenesis factor 12; minus strand). Cytogenetic location: 17q12.
Variant type: single nucleotide variant.
Coding change: c.*517A>G on transcript NM_000286.3 (MANE Select); 517 bases downstream of the stop codon, A replaced by G.
Molecular consequence: 3 prime UTR variant.
Genome position (GRCh38, 1-based): chr17:35,575,265, T>C on the plus strand (A>G on the coding strand, the complement: PEX12 is on the minus strand). VCF-style: chr17-35575265-T-C. GRCh37 (hg19) VCF-style: chr17-33902284-T-C.
Identifiers: ClinVar variation 322645 (VCV000322645.6), dbSNP rs1046321, ClinGen allele CA10645419.